The following is an entry in ClinVar:

ClinVar aggregate classification (germline): Conflicting classifications of pathogenicity. Review status: criteria provided, conflicting classifications (1 of 4 stars). 6 submissions from 6 submitters: Uncertain significance (1); Benign (1); Likely benign (4). Last evaluated 2025-02-06.

Conditions:
Hereditary cancer-predisposing syndrome. Also called: Hereditary Cancer Syndrome; Neoplastic Syndromes, Hereditary; Tumor predisposition; Hereditary neoplastic syndrome. Identifiers: Orphanet 140162, MedGen C0027672, MeSH D009386, MONDO:0015356.
Hereditary diffuse gastric adenocarcinoma (HDGC). Also called: DIFFUSE GASTRIC AND LOBULAR BREAST CANCER SYNDROME. Identifiers: Orphanet 26106, MedGen C1708349, MONDO:0007648, OMIM 137215.

Allele frequency attached by ClinVar (database versions not stated): gnomAD exomes below 0.00001.
gnomAD v4.1: 1 of 1,613,596 alleles (0.000062%); highest among the groups gnomAD compares: Non-Finnish European, 0.000085%; no homozygotes.

Submissions (6):

Women's Health and Genetics/Laboratory Corporation of America, LabCorp
Classification: Likely benign. Last evaluated: 2025-02-06. Review status: criteria provided, single submitter. Criteria: LabCorp Variant Classification Summary - May 2015. Collection method: clinical testing. Allele origin: germline.

Labcorp Genetics (formerly Invitae), Labcorp
Classification: Likely benign for Hereditary diffuse gastric adenocarcinoma. Last evaluated: 2025-01-22. Review status: criteria provided, single submitter. Criteria: Invitae Variant Classification Sherloc (09022015). Collection method: clinical testing. Allele origin: germline.

Myriad Genetics, Inc.
Classification: Benign for Hereditary diffuse gastric adenocarcinoma. Last evaluated: 2024-09-19. Review status: criteria provided, single submitter. Criteria: Myriad Autosomal Dominant, Autosomal Recessive and X-Linked Classification Criteria (2023). Collection method: clinical testing. Allele origin: unknown.
Comment: This variant is considered benign. This variant is a silent/synonymous amino acid change and it is not expected to impact splicing.

Illumina Laboratory Services, Illumina
Classification: Uncertain significance for Hereditary diffuse gastric adenocarcinoma. Last evaluated: 2018-01-13. Review status: criteria provided, single submitter. Criteria: ICSL Variant Classification Criteria 13 December 2019. Collection method: clinical testing. Allele origin: germline.

Color Diagnostics, LLC DBA Color Health
Classification: Likely benign for Hereditary cancer-predisposing syndrome. Last evaluated: 2017-11-30. Review status: criteria provided, single submitter. Criteria: ACMG Guidelines, 2015. Collection method: clinical testing. Allele origin: germline.

Ambry Genetics
Classification: Likely benign for Hereditary cancer-predisposing syndrome. Last evaluated: 2015-07-23. Review status: criteria provided, single submitter. Criteria: Ambry Variant Classification Scheme 2023. Collection method: clinical testing. Allele origin: germline.

NM_004360.5(CDH1):c.1716T>C (p.Ser572=)

Gene: CDH1 (cadherin 1; plus strand). Cytogenetic location: 16q22.1.
Variant type: single nucleotide variant.
Coding change: c.1716T>C on transcript NM_004360.5 (MANE Select); coding-DNA position 1716, T replaced by C.
Protein change: p.Ser572=; no amino-acid change (serine 572 retained).
Molecular consequence: synonymous variant. On other transcripts: 5 prime UTR variant (1).
Genome position (GRCh38, 1-based): chr16:68,822,005, T>C. VCF-style: chr16-68822005-T-C. GRCh37 (hg19) VCF-style: chr16-68855908-T-C.
Other names: c.1716T>C (LRG_301t1); c.1533T>C, p.Ser511= (NM_001317184.2); c.168T>C, p.Ser56= (NM_001317185.2); c.-250T>C (NM_001317186.2).
Identifiers: ClinVar variation 233079 (VCV000233079.24), dbSNP rs876660176, ClinGen allele CA10580130.